The following is an entry in ClinVar:

ClinVar aggregate classification (germline): Benign (3 of 4 stars; one submission).

Conditions:
Breast-ovarian cancer, familial, susceptibility to, 1 (BROVCA1). Also called: BRCA1 Hereditary Breast and Ovarian Cancer; OVARIAN CANCER, SUSCEPTIBILITY TO. Identifiers: Orphanet 145, MedGen C2676676, MONDO:0011450, OMIM 604370. Disease mechanism: loss of function.

Allele frequency attached by ClinVar (database versions not stated): TOPMed 0.00879; 1000 Genomes Project 30x 0.00999; 1000 Genomes Project 0.01138; gnomAD 0.01235 and 0.01275.
gnomAD v4.1: 1,620 of 127,754 alleles (1.3%); highest among the groups gnomAD compares: South Asian, 2.8%; 24 homozygotes.

Submission:

Evidence-based Network for the Interpretation of Germline Mutant Alleles (ENIGMA)
Classification: Benign for Breast-ovarian cancer, familial 1. Last evaluated: 2015-01-12. Review status: reviewed by expert panel. Criteria: ENIGMA BRCA1/2 Classification Criteria (2015). Collection method: curation. Allele origin: germline.
Comment: Class 1 not pathogenic based on frequency >1% in an outbred sampleset. Frequency 0.02507 (European), derived from 1000 genomes (2012-04-30).

NM_007294.4(BRCA1):c.5468-451C>T

Gene: BRCA1 (BRCA1 DNA repair associated; minus strand). Cytogenetic location: 17q21.31.
Variant type: single nucleotide variant.
Coding change: c.5468-451C>T on transcript NM_007294.4 (MANE Select); 451 bases into the intron before coding-DNA position 5468, C replaced by T.
Molecular consequence: intron variant.
Genome position (GRCh38, 1-based): chr17:43,046,253, G>A on the plus strand (C>T on the coding strand, the complement: BRCA1 is on the minus strand). VCF-style: chr17-43046253-G-A. GRCh37 (hg19) VCF-style: chr17-41198270-G-A.
Other names: IVS 23-451C>T; c.2015-451C>T (NM_001408458.1, NM_001408461.1, NM_001408464.1 and 7 more transcripts); c.4577-451C>T (NM_001407967.1); c.5087-451C>T (NM_001407959.1); c.5201-451C>T (NM_001407931.1, NM_001407932.1, NM_001407928.1 and 4 more transcripts); c.5324-451C>T (NM_001407747.1, NM_001407745.1, NM_001407737.1 and 18 more transcripts); c.5084-451C>T (NM_001407962.1, NM_001407960.1); c.1655-451C>T (NM_001408512.1); and 84 more.
Identifiers: ClinVar variation 209237 (VCV000209237.2), dbSNP rs147297981, ClinGen allele CA276209.